The following is an entry in ClinVar:

NM_000631.5(NCF4):c.69G>A (p.Ser23=)

Genes: NCF4 (neutrophil cytosolic factor 4; plus strand), NCF4-AS1 (NCF4 antisense RNA 1; minus strand). Cytogenetic location: 22q12.3.
Variant type: single nucleotide variant.
Coding change: c.69G>A on transcript NM_000631.5 (MANE Select); coding-DNA position 69, G replaced by A.
Protein change: p.Ser23=; no amino-acid change (serine 23 retained).
Molecular consequence: synonymous variant.
Genome position (GRCh38, 1-based): chr22:36,864,081, G>A. VCF-style: chr22-36864081-G-A. GRCh37 (hg19) VCF-style: chr22-37260123-G-A.
Other names: p.Ser23=; c.69G>A, p.Ser23= (NM_013416.4).
Identifiers: ClinVar variation 260306 (VCV000260306.18), dbSNP rs10854695, ClinGen allele CA10212822.
Genomic context (GRCh38, chr22:36,864,081, plus strand): 5'-TCTCTTTTCCCCTCCTTCGCACAGTGACTTTGAACAGCTTCCGGATGATGTTGCCATCTC[G>A]GCCAACATTGCTGACATCGAGGAGAAGAGAGGCTTCACCAGCCACTTTGTAAGACAGACT-3'
Protein context (NP_000622.2, residues 13-33): FEQLPDDVAI[Ser23=]ANIADIEEKR

ClinVar aggregate classification (germline): Benign/Likely benign. Review status: criteria provided, multiple submitters, no conflicts (2 of 4 stars). 7 submissions from 7 submitters: Benign (5); Likely benign (1). 1 of the submissions does not count toward it. Last evaluated 2026-02-04.

Conditions:
Granulomatous disease, chronic, autosomal recessive, cytochrome b-positive, type 3. Also called: GRANULOMATOUS DISEASE, CHRONIC, DUE TO NCF4 DEFICIENCY; Granulomatous disease, chronic, autosomal recessive, cytochrome b-positive, type III; GRANULOMATOUS DISEASE, CHRONIC, AUTOSOMAL RECESSIVE, 3; CGD, AUTOSOMAL RECESSIVE CYTOCHROME b-POSITIVE, TYPE III. Identifiers: Orphanet 379, MedGen C3151409, MONDO:0013507, OMIM 613960.
NCF4-related disorder. Also called: NCF4-related condition.

Allele frequency attached by ClinVar (database versions not stated): ExAC 0.03975; gnomAD exomes 0.04124; ESP Exome Variant Server 0.06843; TOPMed 0.07720; 1000 Genomes Project 0.09824; 1000 Genomes Project 30x 0.10447.
gnomAD v4.1: 30,037 of 1,613,954 alleles (1.9%); highest among the groups gnomAD compares: African/African-American, 21%; 2,314 homozygotes.

Submissions (7):

Labcorp Genetics (formerly Invitae), Labcorp
Classification: Benign for Granulomatous disease, chronic, autosomal recessive, cytochrome b-positive, type 3. Last evaluated: 2026-02-04. Review status: criteria provided, single submitter. Criteria: Invitae Variant Classification Sherloc (09022015). Collection method: clinical testing. Allele origin: germline.

Women's Health and Genetics/Laboratory Corporation of America, LabCorp
Classification: Benign. Last evaluated: 2026-01-21. Review status: criteria provided, single submitter. Criteria: LabCorp Variant Classification Summary - May 2015. Collection method: clinical testing. Allele origin: germline.

Blueprint Genetics
Classification: Likely benign. Last evaluated: 2024-11-28. Review status: criteria provided, single submitter. Criteria: ACMG Guidelines, 2015. Collection method: clinical testing. Allele origin: germline.

Mayo Clinic Laboratories, Mayo Clinic
Classification: Benign. Last evaluated: 2019-05-07. Review status: criteria provided, single submitter. Criteria: ACMG Guidelines, 2015. Collection method: clinical testing. Allele origin: germline. Observed: 21 variant alleles.

GeneDx
Classification: Benign. Last evaluated: 2018-10-16. Review status: criteria provided, single submitter. Criteria: GeneDx Variant Classification Process June 2021. Collection method: clinical testing. Allele origin: germline. Affected: yes.

Breakthrough Genomics
Classification: Benign. Review status: criteria provided, single submitter. Criteria: ACMG Guidelines, 2015. Collection method: not provided. Allele origin: germline. Inheritance: Autosomal recessive inheritance. Affected: yes.

PreventionGenetics, part of Exact Sciences
Classification: Benign for NCF4-related condition. Last evaluated: 2023-04-06. Review status: no assertion criteria provided. Collection method: clinical testing. Allele origin: germline. Not counted in ClinVar's aggregate classification.
Comment: This variant is classified as benign based on ACMG/AMP sequence variant interpretation guidelines (Richards et al. 2015 PMID: 25741868, with internal and published modifications).